The following is an entry in ClinVar:

ClinVar aggregate classification (germline): Uncertain significance (1 of 4 stars; one submission).

Allele frequency attached by ClinVar (database versions not stated): gnomAD exomes below 0.00001; TOPMed below 0.00001.
gnomAD v4.1: 4 of 1,614,104 alleles (0.00025%); highest among the groups gnomAD compares: Admixed American, 0.005%; no homozygotes.

Submission:

Labcorp Genetics (formerly Invitae), Labcorp
Classification: Uncertain significance. Last evaluated: 2022-07-31. Review status: criteria provided, single submitter. Criteria: Invitae Variant Classification Sherloc (09022015). Collection method: clinical testing. Allele origin: germline.
Comment: This sequence change replaces serine, which is neutral and polar, with phenylalanine, which is neutral and non-polar, at codon 320 of the PRPF3 protein (p.Ser320Phe). This variant is present in population databases (no rsID available, gnomAD 0.003%). This variant has not been reported in the literature in individuals affected with PRPF3-related conditions. Algorithms developed to predict the effect of missense changes on protein structure and function are either unavailable or do not agree on the potential impact of this missense change (SIFT: "Deleterious"; PolyPhen-2: "Benign"; Align-GVGD: "Class C15"). In summary, the available evidence is currently insufficient to determine the role of this variant in disease. Therefore, it has been classified as a Variant of Uncertain Significance.

NM_004698.4(PRPF3):c.959C>T (p.Ser320Phe)

Gene: PRPF3 (pre-mRNA processing factor 3; plus strand). Cytogenetic location: 1q21.2.
Variant type: single nucleotide variant.
Coding change: c.959C>T on transcript NM_004698.4 (MANE Select); coding-DNA position 959, C replaced by T.
Protein change: p.Ser320Phe; replaces serine 320 with phenylalanine.
Molecular consequence: missense variant. On other transcripts: non-coding transcript variant (4).
Genome position (GRCh38, 1-based): chr1:150,335,165, C>T. VCF-style: chr1-150335165-C-T. GRCh37 (hg19) VCF-style: chr1-150307636-C-T.
Other names: c.554C>T, p.Ser185Phe (NM_001350529.1); short protein forms S185F, S320F.
Identifiers: ClinVar variation 2075590 (VCV002075590.4), dbSNP rs1553866975, ClinGen allele CA342294659.
Genomic context (GRCh38, chr1:150,335,165, plus strand): 5'-AGCCATCAGAAGACATGGAATCCAATACCTTTTTTGACCCCCGAGTCTCCATTGCCCCTT[C>T]CCAGCGCCAGAGACGCACTTTTAAATTCCATGACAAGGGCAAATTTGAGAAGATTGCTCA-3'
Protein context (NP_004689.1, residues 310-330): FFDPRVSIAP[Ser320Phe]QRQRRTFKFH